The following is an entry in ClinVar:

ClinVar aggregate classification (germline): Pathogenic/Likely pathogenic. Review status: criteria provided, multiple submitters, no conflicts (2 of 4 stars). 3 submissions from 3 submitters: Pathogenic (1); Likely pathogenic (2). Last evaluated 2025-05-10.

Conditions:
Developmental and epileptic encephalopathy, 23 (DEE23). Also called: Epileptic encephalopathy, early infantile, 23. Identifiers: Orphanet 411986, MedGen C4014492, MONDO:0014371, OMIM 615859.

Allele frequency attached by ClinVar (database versions not stated): gnomAD exomes below 0.00001; ExAC 0.00001; gnomAD 0.00001; TOPMed 0.00001.

Submissions (3):

Labcorp Genetics (formerly Invitae), Labcorp
Classification: Pathogenic for Developmental and epileptic encephalopathy, 23. Last evaluated: 2025-05-10. Review status: criteria provided, single submitter. Criteria: Invitae Variant Classification Sherloc (09022015). Collection method: clinical testing. Allele origin: germline.
Comment: This sequence change creates a premature translational stop signal (p.Thr1538Aspfs*6) in the DOCK7 gene. It is expected to result in an absent or disrupted protein product. Loss-of-function variants in DOCK7 are known to be pathogenic (PMID: 24814191). This variant is present in population databases (rs770283117, gnomAD 0.007%). This variant has not been reported in the literature in individuals affected with DOCK7-related conditions. ClinVar contains an entry for this variant (Variation ID: 1076900). For these reasons, this variant has been classified as Pathogenic.

Genome-Nilou Lab
Classification: Likely pathogenic for Developmental and epileptic encephalopathy, 23. Last evaluated: 2023-04-11. Review status: criteria provided, single submitter. Criteria: ACMG Guidelines, 2015. Collection method: clinical testing. Allele origin: germline. Affected: no.

Fulgent Genetics
Classification: Likely pathogenic for Developmental and epileptic encephalopathy, 23. Last evaluated: 2022-03-24. Review status: criteria provided, single submitter. Criteria: ACMG Guidelines, 2015. Collection method: clinical testing. Allele origin: unknown.

Literature cited by the submitters: PubMed 24814191 (cited by Labcorp Genetics (formerly Invitae), Labcorp).

NM_001367561.1(DOCK7):c.4637dup (p.Thr1547fs)

Gene: DOCK7 (dedicator of cytokinesis 7; minus strand). Cytogenetic location: 1p31.3.
Variant type: Duplication.
Coding change: c.4637dup on transcript NM_001367561.1 (MANE Select); coding-DNA position 4637, one base duplicated (A; older notation c.4637dupA).
Protein change: p.Thr1547fs; shifts the reading frame from threonine 1547.
Molecular consequence: frameshift variant.
Genome position (GRCh38, 1-based): chr1:62,504,757, T duplicated on the plus strand (A on the coding strand, the reverse complement: DOCK7 is on the minus strand). VCF-style (leftmost placement, unchanged base first): chr1-62504756-C-CT. GRCh37 (hg19) VCF-style: chr1-62970427-C-CT.
Other names: c.4610dup, p.Thr1538fs (NM_001271999.2, NM_001330614.2); c.4517dup, p.Thr1507fs (NM_001272000.2, NM_001272001.2); c.4544dup, p.Thr1516fs (NM_033407.4); short protein forms T1507fs, T1516fs, T1538fs, T1547fs.
Identifiers: ClinVar variation 1076900 (VCV001076900.9), dbSNP rs770283117, ClinGen allele CA885643.